The following is an entry in ClinVar:

NM_024301.5(FKRP):c.-39-243A>G

Gene: FKRP (fukutin related protein; plus strand). Cytogenetic location: 19q13.32.
Variant type: single nucleotide variant.
Coding change: c.-39-243A>G on transcript NM_024301.5 (MANE Select); 243 bases into the intron before 39 bases upstream of the start codon, A replaced by G.
Molecular consequence: intron variant.
Genome position (GRCh38, 1-based): chr19:46,755,169, A>G. VCF-style: chr19-46755169-A-G. GRCh37 (hg19) VCF-style: chr19-47258426-A-G.
Other names: c.-39-243A>G (NM_001039885.3).
Identifiers: ClinVar variation 678369 (VCV000678369.1), dbSNP rs184686014, ClinGen allele CA309099032.
Genomic context (GRCh38, chr19:46,755,169, plus strand): 5'-CAACTCCCCATTCCCCCCTGCCTGCAACCCCTGGCACCCGTCATTCTACTTTATGTTTCT[A>G]TTAGTTTGACTCACTCTGTTTAAAAAAAAAAAAAAAAATTCTGAGGACACCCAGAGTTGG-3'

ClinVar aggregate classification (germline): Likely benign (1 of 4 stars; one submission).

Allele frequency attached by ClinVar (database versions not stated): 1000 Genomes Project 30x 0.00250; 1000 Genomes Project 0.00300; gnomAD 0.00350 and 0.00384; TOPMed 0.00381.

Submission:

GeneDx
Classification: Likely benign. Last evaluated: 2018-06-18. Review status: criteria provided, single submitter. Criteria: GeneDx Variant Classification (06012015). Collection method: clinical testing. Allele origin: germline. Affected: yes.
Comment: This variant is considered likely benign or benign based on one or more of the following criteria: it is a conservative change, it occurs at a poorly conserved position in the protein, it is predicted to be benign by multiple in silico algorithms, and/or has population frequency not consistent with disease.